The following is an entry in ClinVar:

NM_003921.5(BCL10):c.379G>A (p.Asp127Asn)

Gene: BCL10 (BCL10 immune signaling adaptor; minus strand). Cytogenetic location: 1p22.3.
Variant type: single nucleotide variant.
Coding change: c.379G>A on transcript NM_003921.5 (MANE Select); coding-DNA position 379, G replaced by A.
Protein change: p.Asp127Asn; replaces aspartic acid 127 with asparagine.
Molecular consequence: missense variant. On other transcripts: splice acceptor variant (1).
Genome position (GRCh38, 1-based): chr1:85,267,950, C>T on the plus strand (G>A on the coding strand, the complement: BCL10 is on the minus strand). VCF-style: chr1-85267950-C-T. GRCh37 (hg19) VCF-style: chr1-85733633-C-T.
Other names: c.347-1G>A (NM_001320715.2); short protein forms D127N.
Identifiers: ClinVar variation 948261 (VCV000948261.10), dbSNP rs1264518434, ClinGen allele CA340949561.

ClinVar aggregate classification (germline): Uncertain significance (1 of 4 stars; one submission).

Conditions:
Immunodeficiency 37 (IMD37). Identifiers: MedGen C4015195, MONDO:0014491, OMIM 616098.

Allele frequency attached by ClinVar (database versions not stated): gnomAD 0.00001; gnomAD exomes 0.00001.

Submission:

Labcorp Genetics (formerly Invitae), Labcorp
Classification: Uncertain significance for Immunodeficiency 37. Last evaluated: 2022-02-08. Review status: criteria provided, single submitter. Criteria: Invitae Variant Classification Sherloc (09022015). Collection method: clinical testing. Allele origin: germline.
Comment: This sequence change replaces aspartic acid, which is acidic and polar, with asparagine, which is neutral and polar, at codon 127 of the BCL10 protein (p.Asp127Asn). This variant is present in population databases (no rsID available, gnomAD 0.0009%). This variant has not been reported in the literature in individuals affected with BCL10-related conditions. ClinVar contains an entry for this variant (Variation ID: 948261). Algorithms developed to predict the effect of missense changes on protein structure and function (SIFT, PolyPhen-2, Align-GVGD) all suggest that this variant is likely to be tolerated. In summary, the available evidence is currently insufficient to determine the role of this variant in disease. Therefore, it has been classified as a Variant of Uncertain Significance.